The following is an entry in ClinVar:

NM_001129.5(AEBP1):c.3299A>G (p.Glu1100Gly)

Gene: AEBP1 (AE binding protein 1; plus strand). Cytogenetic location: 7p13.
Variant type: single nucleotide variant.
Coding change: c.3299A>G on transcript NM_001129.5 (MANE Select); coding-DNA position 3299, A replaced by G.
Protein change: p.Glu1100Gly; replaces glutamic acid 1100 with glycine.
Molecular consequence: missense variant.
Genome position (GRCh38, 1-based): chr7:44,114,083, A>G. VCF-style: chr7-44114083-A-G. GRCh37 (hg19) VCF-style: chr7-44153682-A-G.
Other names: short protein forms E1100G.
Identifiers: ClinVar variation 1923748 (VCV001923748.2), dbSNP rs758681931, ClinGen allele CA4238455.

ClinVar aggregate classification (germline): Uncertain significance (1 of 4 stars; one submission).

Allele frequency attached by ClinVar (database versions not stated): TOPMed below 0.00001; gnomAD exomes 0.00001.

Submission:

Labcorp Genetics (formerly Invitae), Labcorp
Classification: Uncertain significance. Last evaluated: 2022-04-28. Review status: criteria provided, single submitter. Criteria: Invitae Variant Classification Sherloc (09022015). Collection method: clinical testing. Allele origin: germline.
Comment: This sequence change replaces glutamic acid, which is acidic and polar, with glycine, which is neutral and non-polar, at codon 1100 of the AEBP1 protein (p.Glu1100Gly). This variant is present in population databases (rs758681931, gnomAD 0.002%). This variant has not been reported in the literature in individuals affected with AEBP1-related conditions. Algorithms developed to predict the effect of missense changes on protein structure and function are either unavailable or do not agree on the potential impact of this missense change (SIFT: "Deleterious"; PolyPhen-2: "Not Available"; Align-GVGD: "Class C0"). In summary, the available evidence is currently insufficient to determine the role of this variant in disease. Therefore, it has been classified as a Variant of Uncertain Significance.